The following is an entry in ClinVar:

NC_000020.11:g.46011577_46011590dup

Gene: MMP9 (matrix metallopeptidase 9; plus strand). Cytogenetic location: 20q13.12.
Variant type: Duplication.
Genome position: GRCh38 VCF-style: chr20-46011568-C-CCCCAGGACTCTACA. GRCh37 (hg19) VCF-style: chr20-44640207-C-CCCCAGGACTCTACA.
Identifiers: ClinVar variation 1371730 (VCV001371730.7), ClinGen allele CA9886542.

ClinVar aggregate classification (germline): Uncertain significance (1 of 4 stars; one submission).

Submission:

Labcorp Genetics (formerly Invitae), Labcorp
Classification: Uncertain significance. Last evaluated: 2022-07-12. Review status: criteria provided, single submitter. Criteria: Invitae Variant Classification Sherloc (09022015). Collection method: clinical testing. Allele origin: germline.
Comment: This variant has not been reported in the literature in individuals affected with MMP9-related conditions. ClinVar contains an entry for this variant (Variation ID: 1371730). Algorithms developed to predict the effect of sequence changes on RNA splicing suggest that this variant may disrupt the consensus splice site. In summary, the available evidence is currently insufficient to determine the role of this variant in disease. Therefore, it has been classified as a Variant of Uncertain Significance. This sequence change creates a premature translational stop signal (p.Gly281Serfs*62) in the MMP9 gene. It is expected to result in an absent or disrupted protein product. However, the current clinical and genetic evidence is not sufficient to establish whether loss-of-function variants in MMP9 cause disease. This variant is present in population databases (rs766967454, gnomAD 0.0009%).